The following is an entry in ClinVar:

NM_001417890.1(NKRF):c.81G>C (p.Pro27=)

Gene: NKRF (NFKB repressing factor; minus strand). Cytogenetic location: Xq24.
Variant type: single nucleotide variant.
Coding change: c.81G>C on transcript NM_001417890.1 (MANE Select); coding-DNA position 81, G replaced by C.
Protein change: p.Pro27=; no amino-acid change (proline 27 retained).
Molecular consequence: synonymous variant. On other transcripts: non-coding transcript variant (1).
Genome position (GRCh38, 1-based): chrX:119,605,916, C>G on the plus strand (G>C on the coding strand, the complement: NKRF is on the minus strand). VCF-style: chrX-119605916-C-G. GRCh37 (hg19) VCF-style: chrX-118739879-C-G.
Other names: c.81G>C, p.Pro27= (NM_017544.5).
Identifiers: ClinVar variation 2661297 (VCV002661297.24), dbSNP rs1309058454, ClinGen allele CA870702609.

ClinVar aggregate classification (germline): Likely benign (1 of 4 stars; one submission).

Allele frequency attached by ClinVar (database versions not stated): gnomAD exomes 0.00003.

Submission:

CeGaT Center for Human Genetics Tuebingen
Classification: Likely benign. Last evaluated: 2026-05-01. Review status: criteria provided, single submitter. Criteria: CeGaT Center For Human Genetics Tuebingen Variant Classification Criteria Version 2. Collection method: clinical testing. Allele origin: germline. Affected: yes. Observed: 5 variant alleles.
Comment: NKRF: BP4, BP7